The following is an entry in ClinVar:

ClinVar aggregate classification (germline): Benign. Review status: criteria provided, single submitter (1 of 4 stars). 2 submissions from 2 submitters: Benign (1). 1 of the submissions does not count toward it. Last evaluated 2018-07-31.

Conditions:
DGKD-related disorder. Also called: DGKD-related condition.

Submissions (2):

Labcorp Genetics (formerly Invitae), Labcorp
Classification: Benign. Last evaluated: 2018-07-31. Review status: criteria provided, single submitter. Criteria: Invitae Variant Classification Sherloc (09022015). Collection method: clinical testing. Allele origin: germline.

PreventionGenetics, part of Exact Sciences
Classification: Benign for DGKD-related condition. Last evaluated: 2019-06-26. Review status: no assertion criteria provided. Collection method: clinical testing. Allele origin: germline. Not counted in ClinVar's aggregate classification.
Comment: This variant is classified as benign based on ACMG/AMP sequence variant interpretation guidelines (Richards et al. 2015 PMID: 25741868, with internal and published modifications).

NM_152879.3(DGKD):c.1954GAG[1] (p.Glu653del)

Gene: DGKD (diacylglycerol kinase delta; plus strand). Cytogenetic location: 2q37.1.
Variant type: Microsatellite.
Coding change: c.1954GAG[1] on transcript NM_152879.3 (MANE Select); one copy of the 3-base unit GAG starting at c.1954; the reference has two copies in a row; one copy, 3 bases deleted.
Protein change: p.Glu653del; deletes glutamic acid 653.
Molecular consequence: inframe deletion.
Genome position (GRCh38, 1-based): chr2:233,450,050-233,450,052, GAG deleted; deleting any 3 consecutive bases within chr2:233,450,047-233,450,052 gives the same sequence; the position shown is the placement nearest the transcript's 3' end. VCF-style (leftmost placement, unchanged base first): chr2-233450046-AGAG-A. GRCh37 (hg19) VCF-style: chr2-234358692-AGAG-A.
Other names: c.1555GAG[1], p.Glu520del (NM_001377259.1); c.1822GAG[1], p.Glu609del (NM_003648.3); short protein forms E609del, E653del, E520del.
Identifiers: ClinVar variation 736235 (VCV000736235.5), dbSNP rs140420660, ClinGen allele CA2175431.